The following is an entry in ClinVar:

ClinVar aggregate classification (germline): Likely benign. Review status: criteria provided, single submitter (1 of 4 stars). 2 submissions from 2 submitters: Likely benign (1). 1 of the submissions does not count toward it. Last evaluated 2024-12-24.

Conditions:
PLXNA1-related disorder. Also called: PLXNA1-related condition.

Allele frequency attached by ClinVar (database versions not stated): gnomAD 0.00003; ExAC 0.00005.
gnomAD v4.1: 44 of 1,599,916 alleles (0.0028%); highest among the groups gnomAD compares: Middle Eastern, 0.016%; no homozygotes.

Submissions (2):

Labcorp Genetics (formerly Invitae), Labcorp
Classification: Likely benign. Last evaluated: 2024-12-24. Review status: criteria provided, single submitter. Criteria: Invitae Variant Classification Sherloc (09022015). Collection method: clinical testing. Allele origin: germline.

PreventionGenetics, part of Exact Sciences
Classification: Likely benign for PLXNA1-related condition. Last evaluated: 2021-10-28. Review status: no assertion criteria provided. Collection method: clinical testing. Allele origin: germline. Not counted in ClinVar's aggregate classification.
Comment: This variant is classified as likely benign based on ACMG/AMP sequence variant interpretation guidelines (Richards et al. 2015 PMID: 25741868, with internal and published modifications).

NM_032242.4(PLXNA1):c.2484C>T (p.Cys828=)

Gene: PLXNA1 (plexin A1; plus strand). Cytogenetic location: 3q21.3.
Variant type: single nucleotide variant.
Coding change: c.2484C>T on transcript NM_032242.4 (MANE Select); coding-DNA position 2484, C replaced by T.
Protein change: p.Cys828=; no amino-acid change (cysteine 828 retained).
Molecular consequence: synonymous variant.
Genome position (GRCh38, 1-based): chr3:127,014,255, C>T. VCF-style: chr3-127014255-C-T. GRCh37 (hg19) VCF-style: chr3-126733098-C-T.
Identifiers: ClinVar variation 3049128 (VCV003049128.4), dbSNP rs747917966, ClinGen allele CA2593645.
Genomic context (GRCh38, chr3:127,014,255, plus strand): 5'-GTGCCCGGCCCTGCGCGAGAGCTGCGGCCTCTGCCTCAAGGCCGACCCGCGCTTCGAGTG[C>T]GGATGGTGCGTGGCCGAGCGCCGCTGCTCCCTGCGACACCACTGCGCTGCCGACACACCT-3'
Protein context (NP_115618.3, residues 818-838): LCLKADPRFE[Cys828=]GWCVAERRCS